The following is an entry in ClinVar:

ClinVar aggregate classification (germline): Uncertain significance (1 of 4 stars; one submission).

Conditions:
Werner syndrome (WRN). Identifiers: Orphanet 902, MedGen C0043119, MONDO:0010196, OMIM 277700.

Allele frequency attached by ClinVar (database versions not stated): gnomAD exomes below 0.00001; ExAC 0.00001.
gnomAD v4.1: 1 of 1,611,680 alleles (0.000062%); highest among the groups gnomAD compares: Non-Finnish European, 0.000085%; no homozygotes.

Submission:

Labcorp Genetics (formerly Invitae), Labcorp
Classification: Uncertain significance for Werner syndrome. Last evaluated: 2017-10-28. Review status: criteria provided, single submitter. Criteria: Invitae Variant Classification Sherloc (09022015). Collection method: clinical testing. Allele origin: germline.
Comment: In summary, the available evidence is currently insufficient to determine the role of this variant in disease. Therefore, it has been classified as a Variant of Uncertain Significance. Nucleotide substitutions within the consensus splice site are a relatively common cause of aberrant splicing (PMID: 17576681, 9536098). Algorithms developed to predict the effect of sequence changes on RNA splicing suggest that this variant may disrupt the consensus splice site, but this prediction has not been confirmed by published transcriptional studies. This variant has not been reported in the literature in individuals with WRN-related disease. This variant is present in population databases (rs764132856, ExAC 0.002%). This sequence change falls in intron 18 of the WRN gene. It does not directly change the encoded amino acid sequence of the WRN protein, but it affects a nucleotide within the consensus splice site of the intron.

Literature cited by the submitters: PubMed 17576681; PubMed 9536098.

NM_000553.6(WRN):c.2088+4A>T

Gene: WRN (WRN RecQ like helicase; plus strand). Cytogenetic location: 8p12.
Variant type: single nucleotide variant.
Coding change: c.2088+4A>T on transcript NM_000553.6 (MANE Select); 4 bases into the intron after coding-DNA position 2088, A replaced by T.
Molecular consequence: intron variant.
Genome position (GRCh38, 1-based): chr8:31,100,959, A>T. VCF-style: chr8-31100959-A-T. GRCh37 (hg19) VCF-style: chr8-30958475-A-T.
Identifiers: ClinVar variation 528167 (VCV000528167.5), dbSNP rs764132856, ClinGen allele CA4704614.